The following is an entry in ClinVar:

NM_003070.5(SMARCA2):c.1541A>G (p.Tyr514Cys)

Gene: SMARCA2 (SWI/SNF related BAF chromatin remodeling complex subunit ATPase 2; plus strand). Cytogenetic location: 9p24.3.
Variant type: single nucleotide variant.
Coding change: c.1541A>G on transcript NM_003070.5 (MANE Select); coding-DNA position 1541, A replaced by G.
Protein change: p.Tyr514Cys; replaces tyrosine 514 with cysteine.
Molecular consequence: missense variant.
Genome position (GRCh38, 1-based): chr9:2,060,835, A>G. VCF-style: chr9-2060835-A-G. GRCh37 (hg19) VCF-style: chr9-2060835-A-G.
Other names: c.1541A>G, p.Tyr514Cys (NM_001289396.2, NM_001289397.2, NM_139045.4); short protein forms Y514C.
Identifiers: ClinVar variation 1878534 (VCV001878534.3), dbSNP rs2537278093, ClinGen allele CA372782411.

ClinVar aggregate classification (germline): Conflicting classifications of pathogenicity. Review status: criteria provided, conflicting classifications (1 of 4 stars). 3 submissions from 3 submitters: Pathogenic (2); Uncertain significance (1). Last evaluated 2024-07-30.

Conditions:
Blepharophimosis-impaired intellectual development syndrome. Identifiers: Orphanet 637013, MedGen C5443984, MONDO:0859139, OMIM 619293.

Submissions (3):

Laboratory of Medical Genetics, National & Kapodistrian University of Athens
Classification: Pathogenic for Blepharophimosis-impaired intellectual development syndrome. Last evaluated: 2024-07-30. Review status: criteria provided, single submitter. Criteria: ACMG Guidelines, 2015. Collection method: clinical testing. Allele origin: de novo. Inheritance: Autosomal dominant inheritance. Affected: yes.
Comment: PS2, PM1, PM2, PM5, PP3- Same amino acid change as a known pathogenic variant. In silico prediction tools estimated that the variant could be damaging for the protein function/stracture. It is not present in population databases (gnomAD no frequency).The variant was detected de novo (paternity confirmed).

Imagene.me medical diagnostic laboratory, IMAGENE.ME SA
Classification: Pathogenic for Blepharophimosis-impaired intellectual development syndrome. Review status: criteria provided, single submitter. Criteria: IMAGENE.ME Variant Classification SOP 2022. Collection method: clinical testing. Allele origin: de novo. Affected: yes.
Comment: Classified according to the IMAGENE.ME variant classification SOP based on the ACMG guidelines as Pathogenic (P): PS2 + PM1+ PM2 + PM5_supporting + PP2 + PP3_moderate + PP4

Neuberg Centre For Genomic Medicine, NCGM
Classification: Uncertain significance for Blepharophimosis-impaired intellectual development syndrome. Review status: criteria provided, single submitter. Criteria: ACMG Guidelines, 2015. Collection method: clinical testing. Allele origin: germline. Affected: yes.
Comment: The missense variant p.Y514C in SMARCA2 (NM_003070.5) causes a change at the same amino acid residue as a previously established pathogenic variant. The p.Y514C variant is novel (not in any individuals) in gnomAD Exomes and is novel (not in any individuals) in 1000 Genomes. The p.Y514C missense variant is predicted to be damaging by both SIFT and PolyPhen2. The tyrosine residue at codon 514 of SMARCA2 is conserved in all mammalian species. The nucleotide c.1541 in SMARCA2 is predicted conserved by GERP++ and PhyloP across 100 vertebrates. For these reasons, this variant has been classified as Uncertain Significance.